The following is an entry in ClinVar:

ClinVar aggregate classification (germline): Uncertain significance (1 of 4 stars; one submission).

Allele frequency attached by ClinVar (database versions not stated): gnomAD exomes below 0.00001.
gnomAD v4.1: 1 of 1,613,744 alleles (0.000062%); highest among the groups gnomAD compares: African/African-American, 0.0013%; no homozygotes.

Submission:

Labcorp Genetics (formerly Invitae), Labcorp
Classification: Uncertain significance. Last evaluated: 2022-04-07. Review status: criteria provided, single submitter. Criteria: Invitae Variant Classification Sherloc (09022015). Collection method: clinical testing. Allele origin: germline.
Comment: Algorithms developed to predict the effect of missense changes on protein structure and function are either unavailable or do not agree on the potential impact of this missense change (SIFT: "Tolerated"; PolyPhen-2: "Probably Damaging"; Align-GVGD: "Class C0"). This variant has not been reported in the literature in individuals affected with UMOD-related conditions. This variant is not present in population databases (gnomAD no frequency). This sequence change replaces leucine, which is neutral and non-polar, with valine, which is neutral and non-polar, at codon 408 of the UMOD protein (p.Leu408Val). Algorithms developed to predict the effect of sequence changes on RNA splicing suggest that this variant may disrupt the consensus splice site. In summary, the available evidence is currently insufficient to determine the role of this variant in disease. Therefore, it has been classified as a Variant of Uncertain Significance.

NM_003361.4(UMOD):c.1222C>G (p.Leu408Val)

Gene: UMOD (uromodulin; minus strand). Cytogenetic location: 16p12.3.
Variant type: single nucleotide variant.
Coding change: c.1222C>G on transcript NM_003361.4 (MANE Select); coding-DNA position 1222, C replaced by G.
Protein change: p.Leu408Val; replaces leucine 408 with valine.
Molecular consequence: missense variant. On other transcripts: non-coding transcript variant (1).
Genome position (GRCh38, 1-based): chr16:20,344,133, G>C on the plus strand (C>G on the coding strand, the complement: UMOD is on the minus strand). VCF-style: chr16-20344133-G-C. GRCh37 (hg19) VCF-style: chr16-20355455-G-C.
Other names: c.1222C>G, p.Leu408Val (NM_001008389.3, NM_001378232.1, NM_001378233.1 and 3 more transcripts); c.1321C>G, p.Leu441Val (NM_001278614.2); short protein forms L408V, L441V.
Identifiers: ClinVar variation 2117295 (VCV002117295.4), dbSNP rs2507366357, ClinGen allele CA394982905.